The following is an entry in ClinVar:

NM_000535.7(PMS2):c.1673C>A (p.Thr558Asn)

Gene: PMS2 (PMS1 homolog 2, mismatch repair system component; minus strand). Cytogenetic location: 7p22.1.
Variant type: single nucleotide variant.
Coding change: c.1673C>A on transcript NM_000535.7 (MANE Select); coding-DNA position 1673, C replaced by A.
Protein change: p.Thr558Asn; replaces threonine 558 with asparagine.
Molecular consequence: missense variant. On other transcripts: non-coding transcript variant (1).
Genome position (GRCh38, 1-based): chr7:5,987,092, G>T on the plus strand (C>A on the coding strand, the complement: PMS2 is on the minus strand). VCF-style: chr7-5987092-G-T. GRCh37 (hg19) VCF-style: chr7-6026723-G-T.
Other names: c.1268C>A, p.Thr423Asn (NM_001322003.2, NM_001322004.2, NM_001322005.2 and 1 more transcripts); c.1517C>A, p.Thr506Asn (NM_001322006.2); c.1355C>A, p.Thr452Asn (NM_001322007.2, NM_001322008.2); c.1112C>A, p.Thr371Asn (NM_001322010.2); c.740C>A, p.Thr247Asn (NM_001322011.2, NM_001322012.2); c.1100C>A, p.Thr367Asn (NM_001322013.2); c.1673C>A, p.Thr558Asn (NM_001322014.2); c.1364C>A, p.Thr455Asn (NM_001322015.2); short protein forms T247N, T367N, T371N, T423N, T452N, T455N, T506N, T558N.
Identifiers: ClinVar variation 1171762 (VCV001171762.2), dbSNP rs114037612, ClinGen allele CA045045.

ClinVar aggregate classification (germline): Uncertain significance (1 of 4 stars; one submission).

Conditions:
Hereditary cancer-predisposing syndrome. Also called: Tumor predisposition; Hereditary neoplastic syndrome; Hereditary Cancer Syndrome; Neoplastic Syndromes, Hereditary. Identifiers: Orphanet 140162, MedGen C0027672, MeSH D009386, MONDO:0015356.

Allele frequency attached by ClinVar (database versions not stated): ExAC 0.00001; gnomAD 0.00001; 1000 Genomes Project 30x 0.00016; 1000 Genomes Project 0.00020.
gnomAD v4.1: 3 of 1,614,102 alleles (0.00019%); highest among the groups gnomAD compares: Admixed American, 0.0017%; no homozygotes.

Submission:

Color Diagnostics, LLC DBA Color Health
Classification: Uncertain significance for Hereditary cancer-predisposing syndrome. Last evaluated: 2021-02-10. Review status: criteria provided, single submitter. Criteria: ACMG Guidelines, 2015. Collection method: clinical testing. Allele origin: germline.
Comment: This missense variant replaces threonine with asparagine at codon 558 of the PMS2 protein. Computational prediction suggests that this variant may not impact protein structure and function (internally defined REVEL score threshold <= 0.5, PMID: 27666373). To our knowledge, functional studies have not been reported for this variant. This variant has not been reported in individuals affected with hereditary cancer in the literature. This variant has been identified in 1/251268 chromosomes in the general population by the Genome Aggregation Database (gnomAD). The available evidence is insufficient to determine the role of this variant in disease conclusively. Therefore, this variant is classified as a Variant of Uncertain Significance.